The following is an entry in ClinVar:

ClinVar aggregate classification (germline): Uncertain significance. Review status: criteria provided, multiple submitters, no conflicts (2 of 4 stars). 4 submissions from 4 submitters: Uncertain significance (4). Last evaluated 2026-07-08.

Conditions:
Malignant hyperthermia, susceptibility to, 1 (MHS1). Also called: Anesthesia related hyperthermia; Malignant hyperpyrexia; Fulminating hyperpyrexia; Pharmacogenic myopathy; RYR1-Related Malignant Hyperthermia Susceptibility; Malignant hyperthermia suceptibility 1. Identifiers: Orphanet 423, MedGen C2930980, MONDO:0007783, OMIM 145600.
RYR1-related disorder. Also called: RYR1-related disorders; RYR1-related condition. Identifiers: MedGen CN239331.
Inborn genetic diseases. Identifiers: MedGen C0950123, MeSH D030342.

Allele frequency attached by ClinVar (database versions not stated): gnomAD exomes below 0.00001 and 0.00001; ExAC 0.00001.
gnomAD v4.1: 12 of 1,614,110 alleles (0.00074%); highest among the groups gnomAD compares: African/African-American, 0.0053%; no homozygotes.

Submissions (4):

Ambry Genetics
Classification: Uncertain significance for Inborn genetic diseases. Last evaluated: 2026-07-08. Review status: criteria provided, single submitter. Criteria: Ambry Variant Classification Scheme 2023. Collection method: clinical testing. Allele origin: germline.

Labcorp Genetics (formerly Invitae), Labcorp
Classification: Uncertain significance for RYR1-related disorder. Last evaluated: 2024-07-19. Review status: criteria provided, single submitter. Criteria: Invitae Variant Classification Sherloc (09022015). Collection method: clinical testing. Allele origin: germline.
Comment: This sequence change replaces arginine, which is basic and polar, with glutamine, which is neutral and polar, at codon 2985 of the RYR1 protein (p.Arg2985Gln). This variant is present in population databases (rs769814020, gnomAD 0.006%). This variant has not been reported in the literature in individuals affected with RYR1-related conditions. ClinVar contains an entry for this variant (Variation ID: 647804). Advanced modeling of protein sequence and biophysical properties (such as structural, functional, and spatial information, amino acid conservation, physicochemical variation, residue mobility, and thermodynamic stability) performed at Invitae indicates that this missense variant is not expected to disrupt RYR1 protein function with a negative predictive value of 95%. In summary, the available evidence is currently insufficient to determine the role of this variant in disease. Therefore, it has been classified as a Variant of Uncertain Significance.

All of Us Research Program, National Institutes of Health
Classification: Uncertain significance for Malignant hyperthermia, susceptibility to, 1. Last evaluated: 2024-03-05. Review status: criteria provided, single submitter. Criteria: ACMG Guidelines, 2015. Collection method: clinical testing. Allele origin: germline. Inheritance: Autosomal dominant inheritance. Observed: 1 variant allele, 1 heterozygote.
Comment: This study involves interpretation of variants in research participants for the purpose of population health screening. Participant phenotype was not available at the time of variant classification. Additional details can be found in publication PMID: 35346344, PMCID: PMC8962531

Revvity Omics, Revvity
Classification: Uncertain significance. Last evaluated: 2020-03-26. Review status: criteria provided, single submitter. Criteria: ACMG Guidelines, 2015. Collection method: clinical testing. Allele origin: germline.

NM_000540.3(RYR1):c.8954G>A (p.Arg2985Gln)

Gene: RYR1 (ryanodine receptor 1; plus strand). Cytogenetic location: 19q13.2.
Variant type: single nucleotide variant.
Coding change: c.8954G>A on transcript NM_000540.3 (MANE Select); coding-DNA position 8954, G replaced by A.
Protein change: p.Arg2985Gln; replaces arginine 2985 with glutamine.
Molecular consequence: missense variant.
Genome position (GRCh38, 1-based): chr19:38,510,519, G>A. VCF-style: chr19-38510519-G-A. GRCh37 (hg19) VCF-style: chr19-39001159-G-A.
Other names: c.8954G>A, p.Arg2985Gln (NM_001042723.2); short protein forms R2985Q.
Identifiers: ClinVar variation 647804 (VCV000647804.13), dbSNP rs769814020, ClinGen allele CA072988.